The following is an entry in ClinVar:

NM_000059.4(BRCA2):c.6652dup (p.Asp2218fs)

Gene: BRCA2 (BRCA2 DNA repair associated; plus strand). Cytogenetic location: 13q13.1.
Variant type: Duplication.
Coding change: c.6652dup on transcript NM_000059.4 (MANE Select); coding-DNA position 6652, one base duplicated (G; older notation c.6652dupG).
Protein change: p.Asp2218fs; shifts the reading frame from aspartic acid 2218.
Molecular consequence: frameshift variant.
Genome position (GRCh38, 1-based): chr13:32,341,007, G duplicated. VCF-style (leftmost placement, unchanged base first): chr13-32341006-A-AG. GRCh37 (hg19) VCF-style: chr13-32915143-A-AG.
Other names: c.6652dupG (NM_000059.3); short protein forms D2218fs.
Identifiers: ClinVar variation 52148 (VCV000052148.3), dbSNP rs397507874, ClinGen allele CA024258.
Genomic context (GRCh38, chr13:32,341,006, plus strand): 5'-TGAAACTTTTTCTGATGTTCCTGTGAAAACAAATATAGAAGTTTGTTCTACTTACTCCAA[A>AG]GATTCAGAAAACTACTTTGAAACAGAAGCAGTAGAAATTGCTAAAGCTTTTATGGAAGAT-3'

ClinVar aggregate classification (germline): Pathogenic. Review status: reviewed by expert panel (3 of 4 stars). 2 submissions from 2 submitters: Pathogenic (1). 1 of the submissions does not count toward it. Last evaluated 2017-12-15.

Conditions:
Familial cancer of breast. Also called: BREAST CANCER, FAMILIAL; Hereditary breast cancer; hereditary breast carcinoma. Identifiers: Orphanet 227535, MedGen C0346153, MONDO:0016419, OMIM 114480. Disease mechanism: loss of function.
Breast-ovarian cancer, familial, susceptibility to, 2 (BROVCA2). Also called: BRCA2 Hereditary Breast and Ovarian Cancer. Identifiers: Orphanet 145, MedGen C2675520, MONDO:0012933, OMIM 612555. Disease mechanism: loss of function.

Submissions (2):

Evidence-based Network for the Interpretation of Germline Mutant Alleles (ENIGMA)
Classification: Pathogenic for Breast-ovarian cancer, familial, susceptibility to, 2. Last evaluated: 2017-12-15. Review status: reviewed by expert panel. Criteria: ENIGMA BRCA1/2 Classification Criteria (2017-06-29). Collection method: curation. Allele origin: germline. Study: ENIGMA.
Comment: Variant allele predicted to encode a truncated non-functional protein.

ClinVar Staff, National Center for Biotechnology Information (NCBI)
No classification provided. Condition: Familial cancer of breast. Review status: no classification provided. Collection method: literature only. Allele origin: germline. Affected: yes. Not counted in ClinVar's aggregate classification.

Literature cited by the submitters: PubMed 11044644 (cited by ClinVar Staff, National Center for Biotechnology Information (NCBI)).